The following is an entry in ClinVar:

NM_000199.5(SGSH):c.391_392insC (p.Val131fs)

Gene: SGSH (N-sulfoglucosamine sulfohydrolase; minus strand). Cytogenetic location: 17q25.3.
Variant type: Insertion.
Coding change: c.391_392insC on transcript NM_000199.5 (MANE Select); coding-DNA positions 391 to 392, C inserted.
Protein change: p.Val131fs; shifts the reading frame from valine 131.
Molecular consequence: frameshift variant. On other transcripts: non-coding transcript variant (1).
Genome position: GRCh38 VCF-style: chr17-80214729-A-AG. GRCh37 (hg19) VCF-style: chr17-78188528-A-AG.
Other names: c.391_392insC, p.Val131fs (NM_001352921.3, NM_001352922.2); short protein forms V131fs.
Identifiers: ClinVar variation 2498725 (VCV002498725.28), dbSNP rs2510894192, ClinGen allele CA2580095332.

ClinVar aggregate classification (germline): Pathogenic (1 of 4 stars; one submission).

Submission:

CeGaT Center for Human Genetics Tuebingen
Classification: Pathogenic. Last evaluated: 2023-06-01. Review status: criteria provided, single submitter. Criteria: CeGaT Center For Human Genetics Tuebingen Variant Classification Criteria Version 2. Collection method: clinical testing. Allele origin: germline. Affected: yes. Observed: 2 variant alleles.
Comment: SGSH: PVS1, PM2, PP4:Moderate, PM3:Supporting